The following is an entry in ClinVar:

ClinVar aggregate classification (germline): Likely benign. Review status: criteria provided, multiple submitters, no conflicts (2 of 4 stars). 3 submissions from 3 submitters: Likely benign (2). 1 of the submissions does not count toward it. Last evaluated 2025-05-01.

Conditions:
INTS1-related disorder. Also called: INTS1-related condition.

Allele frequency attached by ClinVar (database versions not stated): 1000 Genomes Project 30x 0.00203; 1000 Genomes Project 0.00220; gnomAD 0.00285; ESP Exome Variant Server 0.00327.
gnomAD v4.1: 864 of 1,579,624 alleles (0.055%); highest among the groups gnomAD compares: African/African-American, 1%; 6 homozygotes.

Submissions (3):

CeGaT Center for Human Genetics Tuebingen
Classification: Likely benign. Last evaluated: 2025-05-01. Review status: criteria provided, single submitter. Criteria: CeGaT Center For Human Genetics Tuebingen Variant Classification Criteria Version 2. Collection method: clinical testing. Allele origin: germline. Affected: yes. Observed: 1 variant allele.
Comment: INTS1: BP4, BS1

Blueprint Genetics
Classification: Likely benign. Last evaluated: 2024-11-14. Review status: criteria provided, single submitter. Criteria: ACMG Guidelines, 2015. Collection method: clinical testing. Allele origin: germline.

PreventionGenetics, part of Exact Sciences
Classification: Benign for INTS1-related condition. Last evaluated: 2019-04-25. Review status: no assertion criteria provided. Collection method: clinical testing. Allele origin: germline. Not counted in ClinVar's aggregate classification.
Comment: This variant is classified as benign based on ACMG/AMP sequence variant interpretation guidelines (Richards et al. 2015 PMID: 25741868, with internal and published modifications).

NM_001080453.3(INTS1):c.1230C>T (p.Ile410=)

Gene: INTS1 (integrator complex subunit 1; minus strand). Cytogenetic location: 7p22.3.
Variant type: single nucleotide variant.
Coding change: c.1230C>T on transcript NM_001080453.3 (MANE Select); coding-DNA position 1230, C replaced by T.
Protein change: p.Ile410=; no amino-acid change (isoleucine 410 retained).
Molecular consequence: synonymous variant.
Genome position (GRCh38, 1-based): chr7:1,498,760, G>A on the plus strand (C>T on the coding strand, the complement: INTS1 is on the minus strand). VCF-style: chr7-1498760-G-A. GRCh37 (hg19) VCF-style: chr7-1538396-G-A.
Identifiers: ClinVar variation 3040010 (VCV003040010.11), dbSNP rs181128403, ClinGen allele CA4120414.